The following is an entry in ClinVar:

NM_003660.4(PPFIA3):c.3341G>A (p.Arg1114Lys)

Gene: PPFIA3 (PPFI scaffold protein A3; plus strand). Cytogenetic location: 19q13.33.
Variant type: single nucleotide variant.
Coding change: c.3341G>A on transcript NM_003660.4 (MANE Select); coding-DNA position 3341, G replaced by A.
Protein change: p.Arg1114Lys; replaces arginine 1114 with lysine.
Molecular consequence: missense variant. On other transcripts: non-coding transcript variant (1).
Genome position (GRCh38, 1-based): chr19:49,149,312, G>A. VCF-style: chr19-49149312-G-A. GRCh37 (hg19) VCF-style: chr19-49652569-G-A.
Other names: short protein forms R1114K.
Identifiers: ClinVar variation 4056877 (VCV004056877.1).

ClinVar aggregate classification (germline): Uncertain significance (1 of 4 stars; one submission).

Submission:

GeneDx
Classification: Uncertain significance. Last evaluated: 2025-01-09. Review status: criteria provided, single submitter. Criteria: GeneDx Variant Classification Process June 2021. Collection method: clinical testing. Allele origin: germline. Affected: yes.
Comment: Not observed at significant frequency in large population cohorts (gnomAD); In silico analysis supports that this missense variant has a deleterious effect on protein structure/function; Has not been previously published as pathogenic or benign to our knowledge